The following is an entry in ClinVar:

ClinVar aggregate classification (germline): Likely benign (1 of 4 stars; one submission).

Allele frequency attached by ClinVar (database versions not stated): gnomAD 0.00017; gnomAD exomes 0.00017; TOPMed 0.00026; ExAC 0.00032; 1000 Genomes Project 30x 0.00062; 1000 Genomes Project 0.00080.
gnomAD v4.1: 268 of 1,607,258 alleles (0.017%); highest among the groups gnomAD compares: East Asian, 0.43%; 1 homozygote.

Submission:

CeGaT Center for Human Genetics Tuebingen
Classification: Likely benign. Last evaluated: 2023-03-01. Review status: criteria provided, single submitter. Criteria: CeGaT Center For Human Genetics Tuebingen Variant Classification Criteria Version 2. Collection method: clinical testing. Allele origin: germline. Affected: yes. Observed: 1 variant allele.
Comment: SCYL3: BP4

NM_020423.7(SCYL3):c.456C>A (p.Ala152=)

Gene: SCYL3 (SCY1 like pseudokinase 3; minus strand). Cytogenetic location: 1q24.2.
Variant type: single nucleotide variant.
Coding change: c.456C>A on transcript NM_020423.7 (MANE Select); coding-DNA position 456, C replaced by A.
Protein change: p.Ala152=; no amino-acid change (alanine 152 retained).
Molecular consequence: synonymous variant.
Genome position (GRCh38, 1-based): chr1:169,875,987, G>T on the plus strand (C>A on the coding strand, the complement: SCYL3 is on the minus strand). VCF-style: chr1-169875987-G-T. GRCh37 (hg19) VCF-style: chr1-169845128-G-T.
Other names: c.456C>A, p.Ala152= (NM_181093.4).
Identifiers: ClinVar variation 2639544 (VCV002639544.24), dbSNP rs56066424, ClinGen allele CA1238008.